The following is an entry in ClinVar:

ClinVar aggregate classification (germline): Uncertain significance (1 of 4 stars; one submission).

Allele frequency attached by ClinVar (database versions not stated): gnomAD exomes below 0.00001; gnomAD 0.00001; TOPMed 0.00003.
gnomAD v4.1: 6 of 1,411,790 alleles (0.00042%); highest among the groups gnomAD compares: African/African-American, 0.0028%; no homozygotes.

Submission:

Labcorp Genetics (formerly Invitae), Labcorp
Classification: Uncertain significance. Last evaluated: 2024-01-19. Review status: criteria provided, single submitter. Criteria: Invitae Variant Classification Sherloc (09022015). Collection method: clinical testing. Allele origin: germline.
Comment: This sequence change falls in intron 3 of the LIPI gene. It does not directly change the encoded amino acid sequence of the LIPI protein. It affects a nucleotide within the consensus splice site. This variant is not present in population databases (gnomAD no frequency). This variant has not been reported in the literature in individuals affected with LIPI-related conditions. Variants that disrupt the consensus splice site are a relatively common cause of aberrant splicing (PMID: 17576681, 9536098). Algorithms developed to predict the effect of sequence changes on RNA splicing suggest that this variant is not likely to affect RNA splicing. In summary, the available evidence is currently insufficient to determine the role of this variant in disease. Therefore, it has been classified as a Variant of Uncertain Significance.

Literature cited by the submitters: PubMed 17576681; PubMed 9536098.

NM_001302998.2(LIPI):c.541+6A>T

Gene: LIPI (lipase I; minus strand). Cytogenetic location: 21q11.2.
Variant type: single nucleotide variant.
Coding change: c.541+6A>T on transcript NM_001302998.2 (MANE Select); 6 bases into the intron after coding-DNA position 541, A replaced by T.
Molecular consequence: intron variant.
Genome position (GRCh38, 1-based): chr21:14,185,955, T>A on the plus strand (A>T on the coding strand, the complement: LIPI is on the minus strand). VCF-style: chr21-14185955-T-A. GRCh37 (hg19) VCF-style: chr21-15558276-T-A.
Other names: c.406+6A>T (NM_198996.4); c.47-4096A>T (NM_001379566.1); c.541+6A>T (NM_001302999.2, NM_001379565.1, NM_001303000.2 and 1 more transcripts).
Identifiers: ClinVar variation 2997909 (VCV002997909.3), dbSNP rs1041031153, ClinGen allele CA317643733.